The following is an entry in ClinVar:

ClinVar aggregate classification (germline): Uncertain significance (1 of 4 stars; one submission).

gnomAD v4.1: 2 of 1,612,802 alleles (0.00012%); highest among the groups gnomAD compares: Non-Finnish European, 0.000085%; no homozygotes.

Submission:

Labcorp Genetics (formerly Invitae), Labcorp
Classification: Uncertain significance. Last evaluated: 2024-03-13. Review status: criteria provided, single submitter. Criteria: Invitae Variant Classification Sherloc (09022015). Collection method: clinical testing. Allele origin: germline.
Comment: This sequence change replaces valine, which is neutral and non-polar, with isoleucine, which is neutral and non-polar, at codon 99 of the CD81 protein (p.Val99Ile). This variant is not present in population databases (gnomAD no frequency). This variant has not been reported in the literature in individuals affected with CD81-related conditions. An algorithm developed to predict the effect of missense changes on protein structure and function (PolyPhen-2) suggests that this variant is likely to be disruptive. In summary, the available evidence is currently insufficient to determine the role of this variant in disease. Therefore, it has been classified as a Variant of Uncertain Significance.

NM_004356.4(CD81):c.295G>A (p.Val99Ile)

Genes: CD81 (CD81 molecule; plus strand), LOC130005139 (ATAC-STARR-seq lymphoblastoid active region 4300; plus strand). Cytogenetic location: 11p15.5.
Variant type: single nucleotide variant.
Coding change: c.295G>A on transcript NM_004356.4 (MANE Select); coding-DNA position 295, G replaced by A.
Protein change: p.Val99Ile; replaces valine 99 with isoleucine.
Molecular consequence: missense variant.
Genome position (GRCh38, 1-based): chr11:2,394,987, G>A. VCF-style: chr11-2394987-G-A. GRCh37 (hg19) VCF-style: chr11-2416217-G-A.
Other names: c.82G>A, p.Val28Ile (NM_001297649.2, NM_001425129.1, NM_001425130.1 and 4 more transcripts); c.418G>A, p.Val140Ile (NM_001425135.1); c.295G>A, p.Val99Ile (NM_001425137.1); short protein forms V99I, V140I, V28I.
Identifiers: ClinVar variation 3645844 (VCV003645844.2).